The following is an entry in ClinVar:

ClinVar aggregate classification (germline): Pathogenic. Review status: criteria provided, multiple submitters, no conflicts (2 of 4 stars). 4 submissions from 4 submitters: Pathogenic (4). Last evaluated 2025-10-21.

Conditions:
Cardiovascular phenotype. Identifiers: MedGen CN230736.
Alstrom syndrome (ALMS). Identifiers: Orphanet 64, MedGen C0268425, MONDO:0008763, OMIM 203800.
Bardet-Biedl syndrome (BBS). Identifiers: Orphanet 110, MedGen C0752166, MONDO:0015229.

Allele frequency attached by ClinVar (database versions not stated): ExAC 0.00002.
gnomAD v4.1: 51 of 1,614,060 alleles (0.0032%); highest among the groups gnomAD compares: Non-Finnish European, 0.0042%; no homozygotes.

Submissions (4):

Natera, Inc.
Classification: Pathogenic for Alstrom syndrome. Last evaluated: 2025-10-21. Review status: criteria provided, single submitter. Criteria: Natera Variant Classification Schema (03/2026). Collection method: clinical testing. Allele origin: germline.
Comment: The c.11107C>T variant in ALMS1 is a nonsense variant predicted to introduce a stop codon at amino acid 3703. This variant is expected to result in nonsense mediated decay, truncation, or a dysfunctional protein product. This variant is rare in the general population with a frequency below the threshold expected for the associated phenotype(s). This variant has been observed in one or more individuals affected with the associated recessive disease, as either homozygous or compound heterozygous with a second variant (PMID: 17594715). Given the available evidence, this variant is classified as Pathogenic.

Labcorp Genetics (formerly Invitae), Labcorp
Classification: Pathogenic for Alstrom syndrome. Last evaluated: 2024-12-09. Review status: criteria provided, single submitter. Criteria: Invitae Variant Classification Sherloc (09022015). Collection method: clinical testing. Allele origin: germline.
Comment: This sequence change creates a premature translational stop signal (p.Arg3703*) in the ALMS1 gene. It is expected to result in an absent or disrupted protein product. Loss-of-function variants in ALMS1 are known to be pathogenic (PMID: 17594715). This variant is present in population databases (rs747747269, gnomAD 0.003%). This premature translational stop signal has been observed in individual(s) with Alström syndrome (PMID: 24049434, 28432734). In at least one individual the data is consistent with being in trans (on the opposite chromosome) from a pathogenic variant. ClinVar contains an entry for this variant (Variation ID: 971131). For these reasons, this variant has been classified as Pathogenic.

Ambry Genetics
Classification: Pathogenic for Cardiovascular phenotype. Last evaluated: 2021-08-14. Review status: criteria provided, single submitter. Criteria: Ambry Variant Classification Scheme 2023. Collection method: clinical testing. Allele origin: germline.
Comment: The p.R3703* pathogenic mutation (also known as c.11107C>T), located in coding exon 16 of the ALMS1 gene, results from a C to T substitution at nucleotide position 11107. This changes the amino acid from an arginine to a stop codon within coding exon 16. This alteration, also known as p.R3701* (c.11101C>T), has been reported in numerous Alstrom syndrome cohorts, including in individuals found to be compound heterozygous for other truncation alterations in the ALMS1 gene and in one individual found to be homozygous for this alteration (Bond J et al. J Med Genet, 2005 Feb;42:e10; Minton JA et al. J Clin Endocrinol Metab, 2006 Aug;91:3110-6; Liang X et al. Mol Vis, 2013 Sep;19:1885-91; Edwards NC et al. Orphanet J Rare Dis, 2015 Jun;10:83; Zmyslowska A et al. Clin Genet, 2016 Apr;89:448-453; Baig S et al. Orphanet J Rare Dis, 2020 06;15:139). In addition to the clinical data presented in the literature, this alteration is expected to result in loss of function by premature protein truncation or nonsense-mediated mRNA decay. As such, this alteration is interpreted as a disease-causing mutation.

Cambridge Genomics Laboratory, East Genomic Laboratory Hub, NHS Genomic Medicine Service
Classification: Pathogenic for Bardet-Biedl syndrome. Last evaluated: 2020-04-21. Review status: criteria provided, single submitter. Criteria: ACGS Best Practice Guidelines for Variant Classification in Rare Disease 2020. Collection method: clinical testing. Allele origin: germline. Affected: yes. Observed: 1 variant allele.

Literature cited by the submitters: PubMed 17594715 (cited by 3 submitters); PubMed 24049434 (cited by Labcorp Genetics (formerly Invitae), Labcorp and Ambry Genetics); PubMed 28432734 (cited by Labcorp Genetics (formerly Invitae), Labcorp and Ambry Genetics); PubMed 15689433 (cited by Ambry Genetics); PubMed 16720663 (cited by Ambry Genetics); PubMed 26066530 (cited by Ambry Genetics); PubMed 26104972 (cited by Ambry Genetics); PubMed 26283575 (cited by Ambry Genetics); PubMed 32503575 (cited by Ambry Genetics).

NM_001378454.1(ALMS1):c.11104C>T (p.Arg3702Ter)

Gene: ALMS1 (ALMS1 centrosome and basal body associated protein; plus strand). Cytogenetic location: 2p13.1.
Variant type: single nucleotide variant.
Coding change: c.11104C>T on transcript NM_001378454.1 (MANE Select); coding-DNA position 11104, C replaced by T.
Protein change: p.Arg3702Ter; replaces arginine 3702 with a stop codon.
Molecular consequence: nonsense.
Genome position (GRCh38, 1-based): chr2:73,572,981, C>T. VCF-style: chr2-73572981-C-T. GRCh37 (hg19) VCF-style: chr2-73800108-C-T.
Other names: c.11107C>T, p.Arg3703Ter (NM_015120.4); short protein forms R3702*, R3703*.
Identifiers: ClinVar variation 971131 (VCV000971131.16), dbSNP rs747747269, ClinGen allele CA1715121.
Genomic context (GRCh38, chr2:73,572,981, plus strand): 5'-CTAGAGAAAAGCCATAAAAATACAGGCGAGCTTAAAAAAAGCAAGGTGCTTTCTCATCAT[C>T]GAGCTGGGAGGTCTAATCAAATTAAAATTGAACAGATTAAATTTGATAAATATATTCTGA-3'